The following is an entry in ClinVar:

NM_003579.4(RAD54L):c.1688C>T (p.Ser563Leu)

Gene: RAD54L (RAD54 like; plus strand). Cytogenetic location: 1p34.1.
Variant type: single nucleotide variant.
Coding change: c.1688C>T on transcript NM_003579.4 (MANE Select); coding-DNA position 1688, C replaced by T.
Protein change: p.Ser563Leu; replaces serine 563 with leucine.
Molecular consequence: missense variant.
Genome position (GRCh38, 1-based): chr1:46,274,215, C>T. VCF-style: chr1-46274215-C-T. GRCh37 (hg19) VCF-style: chr1-46739887-C-T.
Other names: c.1688C>T, p.Ser563Leu (NM_001142548.2); c.1148C>T, p.Ser383Leu (NM_001370766.1); short protein forms S383L, S563L.
Identifiers: ClinVar variation 1778055 (VCV001778055.3), dbSNP rs1420879628, ClinGen allele CA340183780.
Genomic context (GRCh38, chr1:46,274,215, plus strand): 5'-TGGATGGCACGATGTCCATTAAGAAGCGAGCCAAGGTTGTAGAACGCTTCAATAGTCCAT[C>T]GGTAAATGCACATCCCCGTCCCCACACCACCAATGCAGTATCATCAGAATTAAGGAATGA-3'
Protein context (NP_003570.2, residues 553-573): AKVVERFNSP[Ser563Leu]SPDFVFMLSS

ClinVar aggregate classification (germline): Uncertain significance (1 of 4 stars; one submission).

Allele frequency attached by ClinVar (database versions not stated): gnomAD 0.00001; gnomAD exomes 0.00001; TOPMed 0.00001.
gnomAD v4.1: 19 of 1,609,536 alleles (0.0012%); highest among the groups gnomAD compares: South Asian, 0.0022%; no homozygotes.

Submission:

Ambry Genetics
Classification: Uncertain significance. Last evaluated: 2024-03-30. Review status: criteria provided, single submitter. Criteria: Ambry Variant Classification Scheme 2023. Collection method: clinical testing. Allele origin: germline.
Comment: The p.S563L variant (also known as c.1688C>T), located in coding exon 15 of the RAD54L gene, results from a C to T substitution at nucleotide position 1688. The serine at codon 563 is replaced by leucine, an amino acid with dissimilar properties. This amino acid position is conserved. In addition, this alteration is predicted to be tolerated by in silico analysis. Since supporting evidence is limited at this time, the clinical significance of this alteration remains unclear.